The following is an entry in ClinVar:

NM_000038.6(APC):c.4836G>T (p.Leu1612=)

Gene: APC (APC regulator of Wnt signaling pathway; plus strand). Cytogenetic location: 5q22.2.
Variant type: single nucleotide variant.
Coding change: c.4836G>T on transcript NM_000038.6 (MANE Select); coding-DNA position 4836, G replaced by T.
Protein change: p.Leu1612=; no amino-acid change (leucine 1612 retained).
Molecular consequence: synonymous variant.
Genome position (GRCh38, 1-based): chr5:112,840,430, G>T. VCF-style: chr5-112840430-G-T. GRCh37 (hg19) VCF-style: chr5-112176127-G-T.
Other names: c.4836G>T, p.Leu1612= (NM_001127510.3, NM_001354895.2); c.4782G>T, p.Leu1594= (NM_001127511.3); c.4890G>T, p.Leu1630= (NM_001354896.2); c.4866G>T, p.Leu1622= (NM_001354897.2); c.4761G>T, p.Leu1587= (NM_001354898.2); c.4752G>T, p.Leu1584= (NM_001354899.2); c.4713G>T, p.Leu1571= (NM_001354900.2); c.4659G>T, p.Leu1553= (NM_001354901.2); and 5 more.
Identifiers: ClinVar variation 1668118 (VCV001668118.9), dbSNP rs1765779549, ClinGen allele CA446208077.

ClinVar aggregate classification (germline): Benign/Likely benign. Review status: criteria provided, multiple submitters, no conflicts (2 of 4 stars). 2 submissions from 2 submitters: Benign (1); Likely benign (1). Last evaluated 2024-03-28.

Conditions:
Familial adenomatous polyposis 1 (FAP1). Also called: FAMILIAL ADENOMATOUS POLYPOSIS 1, ATTENUATED; POLYPOSIS, ADENOMATOUS INTESTINAL. Identifiers: MedGen C2713442, MONDO:0021056, OMIM 175100. Disease mechanism: loss of function.

Submissions (2):

Myriad Genetics, Inc.
Classification: Benign for Familial adenomatous polyposis 1. Last evaluated: 2024-03-28. Review status: criteria provided, single submitter. Criteria: Myriad Autosomal Dominant, Autosomal Recessive and X-Linked Classification Criteria (2023). Collection method: clinical testing. Allele origin: unknown.
Comment: This variant is considered benign. This variant is a silent/synonymous amino acid change and it is not expected to impact splicing.

Labcorp Genetics (formerly Invitae), Labcorp
Classification: Likely benign for Familial adenomatous polyposis 1. Last evaluated: 2022-10-17. Review status: criteria provided, single submitter. Criteria: Invitae Variant Classification Sherloc (09022015). Collection method: clinical testing. Allele origin: germline.